The following is an entry in ClinVar:

NM_014956.5(CEP164):c.3755C>T (p.Ser1252Leu)

Gene: CEP164 (centrosomal protein 164; plus strand). Cytogenetic location: 11q23.3.
Variant type: single nucleotide variant.
Coding change: c.3755C>T on transcript NM_014956.5 (MANE Select); coding-DNA position 3755, C replaced by T.
Protein change: p.Ser1252Leu; replaces serine 1252 with leucine.
Molecular consequence: missense variant.
Genome position (GRCh38, 1-based): chr11:117,409,624, C>T. VCF-style: chr11-117409624-C-T. GRCh37 (hg19) VCF-style: chr11-117280340-C-T.
Other names: c.3740C>T, p.Ser1247Leu (NM_001271933.2); c.3761C>T, p.Ser1254Leu (NM_001440949.1); c.3755C>T, p.Ser1252Leu (NM_001440950.1, NM_001440951.1); c.3746C>T, p.Ser1249Leu (NM_001440952.1); c.3731C>T, p.Ser1244Leu (NM_001440953.1); c.3677C>T, p.Ser1226Leu (NM_001440954.1, NM_001440955.1); c.3668C>T, p.Ser1223Leu (NM_001440956.1); c.3665C>T, p.Ser1222Leu (NM_001440957.1); and 21 more; short protein forms S1133L, S1168L, S1169L, S1177L, S1209L, S1247L, S1127L, S1191L.
Identifiers: ClinVar variation 4984691 (VCV004984691.1).

ClinVar aggregate classification (germline): Uncertain significance (1 of 4 stars; one submission).

Conditions:
CEP164-related disorder. Also called: CEP164-related condition.

Submission:

PreventionGenetics, part of Exact Sciences
Classification: Uncertain significance for CEP164-related condition. Last evaluated: 2026-09-25. Review status: criteria provided, single submitter. Criteria: ACMG Guidelines, 2015. Collection method: clinical testing. Allele origin: germline.
Comment: The CEP164 c.3755C>T variant is predicted to result in the amino acid substitution p.Ser1252Leu. To our knowledge, this variant has not been reported in the literature. This variant is reported in 0.0080% of alleles in individuals of African descent in gnomAD. At this time, the clinical significance of this variant is uncertain due to the absence of conclusive functional and genetic evidence.